The following is an entry in ClinVar:

NM_001256545.2(MEGF10):c.2819C>T (p.Pro940Leu)

Gene: MEGF10 (multiple EGF like domains 10; plus strand). Cytogenetic location: 5q23.2.
Variant type: single nucleotide variant.
Coding change: c.2819C>T on transcript NM_001256545.2 (MANE Select); coding-DNA position 2819, C replaced by T.
Protein change: p.Pro940Leu; replaces proline 940 with leucine.
Molecular consequence: missense variant.
Genome position (GRCh38, 1-based): chr5:127,447,647, C>T. VCF-style: chr5-127447647-C-T. GRCh37 (hg19) VCF-style: chr5-126783339-C-T.
Other names: c.2819C>T, p.Pro940Leu (NM_032446.3); short protein forms P940L.
Identifiers: ClinVar variation 1697149 (VCV001697149.2), dbSNP rs1765999410, ClinGen allele CA360735239.

ClinVar aggregate classification (germline): Uncertain significance (1 of 4 stars; one submission).

Allele frequency attached by ClinVar (database versions not stated): gnomAD exomes below 0.00001; TOPMed below 0.00001.
gnomAD v4.1: 2 of 1,614,192 alleles (0.00012%); highest among the groups gnomAD compares: African/African-American, 0.0013%; no homozygotes.

Submission:

GeneDx
Classification: Uncertain significance. Last evaluated: 2022-01-18. Review status: criteria provided, single submitter. Criteria: GeneDx Variant Classification Process June 2021. Collection method: clinical testing. Allele origin: germline. Affected: yes.
Comment: Not observed at significant frequency in large population cohorts (gnomAD); In silico analysis supports that this missense variant has a deleterious effect on protein structure/function; Has not been previously published as pathogenic or benign to our knowledge